The following is an entry in ClinVar:

ClinVar aggregate classification (germline): Uncertain significance (1 of 4 stars; one submission).

Conditions:
TTN-related disorder. Also called: TTN-related disorders; TTN-related condition; TTN-related disease.

gnomAD v4.1: 4 of 1,612,644 alleles (0.00025%); highest among the groups gnomAD compares: East Asian, 0.0089%; no homozygotes.

Submission:

PreventionGenetics, part of Exact Sciences
Classification: Uncertain significance for TTN-related condition. Last evaluated: 2026-03-19. Review status: criteria provided, single submitter. Criteria: ACMG Guidelines, 2015. Collection method: clinical testing. Allele origin: germline.
Comment: The TTN c.54729G>T variant is predicted to result in the amino acid substitution p.Gln18243His. To our knowledge, this variant has not been reported in the literature. This variant is reported in 0.011% of alleles in individuals of East Asian descent in gnomAD. At this time, the clinical significance of this variant is uncertain due to the absence of conclusive functional and genetic evidence.

NM_001267550.2(TTN):c.54729G>T (p.Gln18243His)

Genes: TTN (titin; minus strand), TTN-AS1 (TTN antisense RNA 1; plus strand). Cytogenetic location: 2q31.2.
Variant type: single nucleotide variant.
Coding change: c.54729G>T on transcript NM_001267550.2 (MANE Select); coding-DNA position 54729, G replaced by T.
Protein change: p.Gln18243His; replaces glutamine 18243 with histidine.
Molecular consequence: missense variant.
Genome position (GRCh38, 1-based): chr2:178,603,958, C>A on the plus strand (G>T on the coding strand, the complement: TTN is on the minus strand). VCF-style: chr2-178603958-C-A. GRCh37 (hg19) VCF-style: chr2-179468685-C-A.
Other names: c.49806G>T, p.Gln16602His (NM_001256850.1); c.27534G>T, p.Gln9178His (NM_003319.4); c.47025G>T, p.Gln15675His (NM_133378.4); c.27909G>T, p.Gln9303His (NM_133432.3); c.28110G>T, p.Gln9370His (NM_133437.4); short protein forms Q9370H, Q16602H, Q9303H, Q9178H, Q15675H, Q18243H.
Identifiers: ClinVar variation 4992450 (VCV004992450.1).